The following is an entry in ClinVar:

NM_005862.3(STAG1):c.2753A>G (p.Gln918Arg)

Gene: STAG1 (STAG1 cohesin complex component; minus strand). Cytogenetic location: 3q22.3.
Variant type: single nucleotide variant.
Coding change: c.2753A>G on transcript NM_005862.3 (MANE Select); coding-DNA position 2753, A replaced by G.
Protein change: p.Gln918Arg; replaces glutamine 918 with arginine.
Molecular consequence: missense variant.
Genome position (GRCh38, 1-based): chr3:136,363,400, T>C on the plus strand (A>G on the coding strand, the complement: STAG1 is on the minus strand). VCF-style: chr3-136363400-T-C. GRCh37 (hg19) VCF-style: chr3-136082242-T-C.
Other names: short protein forms Q918R.
Identifiers: ClinVar variation 1309000 (VCV001309000.2), dbSNP rs2108286877, ClinGen allele CA354645853.

ClinVar aggregate classification (germline): Uncertain significance (1 of 4 stars; one submission).

Allele frequency attached by ClinVar (database versions not stated): gnomAD exomes below 0.00001.
gnomAD v4.1: 1 of 1,607,150 alleles (0.000062%); highest among the groups gnomAD compares: Non-Finnish European, 0.000085%; no homozygotes.

Submission:

GeneDx
Classification: Uncertain significance. Last evaluated: 2019-10-03. Review status: criteria provided, single submitter. Criteria: GeneDx Variant Classification Process June 2021. Collection method: clinical testing. Allele origin: germline. Affected: yes.
Comment: Not observed in large population cohorts (Lek et al., 2016); In silico analysis, which includes protein predictors and evolutionary conservation, supports that this variant does not alter protein structure/function; Has not been previously published as pathogenic or benign to our knowledge